The following is an entry in ClinVar:

ClinVar aggregate classification (germline): Uncertain significance (1 of 4 stars; one submission).

Conditions:
Developmental and epileptic encephalopathy, 42 (DEE42A). Also called: DEVELOPMENTAL AND EPILEPTIC ENCEPHALOPATHY 42A; EPILEPTIC ENCEPHALOPATHY, EARLY INFANTILE, 42A; Epileptic encephalopathy, early infantile, 42. Identifiers: MedGen C4310716, MONDO:0014917, OMIM 617106.
Episodic ataxia type 2 (EA2). Also called: ACETAZOLAMIDE-RESPONSIVE HEREDITARY PAROXYSMAL CEREBELLAR ATAXIA; ATAXIA, EPISODIC, WITH NYSTAGMUS; ATAXIA, FAMILIAL PAROXYSMAL; CEREBELLAR ATAXIA, PAROXYSMAL, ACETAZOLAMIDE-RESPONSIVE; CEREBELLOPATHY, HEREDITARY PAROXYSMAL; EPISODIC ATAXIA, NYSTAGMUS-ASSOCIATED. Identifiers: Orphanet 97, MedGen C1720416, MONDO:0007163, OMIM 108500.

Allele frequency attached by ClinVar (database versions not stated): gnomAD exomes below 0.00001; TOPMed below 0.00001.
gnomAD v4.1: 6 of 1,613,298 alleles (0.00037%); highest among the groups gnomAD compares: Non-Finnish European, 0.00042%; no homozygotes.

Submission:

Labcorp Genetics (formerly Invitae), Labcorp
Classification: Uncertain significance for Developmental and epileptic encephalopathy, 42; Episodic ataxia type 2. Last evaluated: 2023-02-08. Review status: criteria provided, single submitter. Criteria: Invitae Variant Classification Sherloc (09022015). Collection method: clinical testing. Allele origin: germline.
Comment: In summary, the available evidence is currently insufficient to determine the role of this variant in disease. Therefore, it has been classified as a Variant of Uncertain Significance. Advanced modeling of protein sequence and biophysical properties (such as structural, functional, and spatial information, amino acid conservation, physicochemical variation, residue mobility, and thermodynamic stability) performed at Invitae indicates that this missense variant is not expected to disrupt CACNA1A protein function. This variant has not been reported in the literature in individuals affected with CACNA1A-related conditions. This variant is not present in population databases (gnomAD no frequency). This sequence change replaces asparagine, which is neutral and polar, with serine, which is neutral and polar, at codon 833 of the CACNA1A protein (p.Asn833Ser).

NM_001127222.2(CACNA1A):c.2495A>G (p.Asn832Ser)

Gene: CACNA1A (calcium voltage-gated channel subunit alpha1 A; minus strand). Cytogenetic location: 19p13.13.
Variant type: single nucleotide variant.
Coding change: c.2495A>G on transcript NM_001127222.2 (MANE Select); coding-DNA position 2495, A replaced by G.
Protein change: p.Asn832Ser; replaces asparagine 832 with serine.
Molecular consequence: missense variant.
Genome position (GRCh38, 1-based): chr19:13,299,138, T>C on the plus strand (A>G on the coding strand, the complement: CACNA1A is on the minus strand). VCF-style: chr19-13299138-T-C. GRCh37 (hg19) VCF-style: chr19-13409952-T-C.
Other names: c.2507A>G, p.Asn836Ser (NM_000068.4, NM_023035.3); c.2498A>G, p.Asn833Ser (NM_001127221.2, NM_001174080.2); short protein forms N832S, N833S, N836S.
Identifiers: ClinVar variation 2925362 (VCV002925362.3), dbSNP rs2057736423, ClinGen allele CA404343328.